The following is an entry in ClinVar:

NM_001113378.2(FANCI):c.3053G>A (p.Ser1018Asn)

Gene: FANCI (FA complementation group I; plus strand). Cytogenetic location: 15q26.1.
Variant type: single nucleotide variant.
Coding change: c.3053G>A on transcript NM_001113378.2 (MANE Select); coding-DNA position 3053, G replaced by A.
Protein change: p.Ser1018Asn; replaces serine 1018 with asparagine.
Molecular consequence: missense variant.
Genome position (GRCh38, 1-based): chr15:89,303,910, G>A. VCF-style: chr15-89303910-G-A. GRCh37 (hg19) VCF-style: chr15-89847141-G-A.
Other names: c.2774G>A, p.Ser925Asn (NM_001376910.1); c.3053G>A, p.Ser1018Asn (NM_001376911.1); c.2873G>A, p.Ser958Asn (NM_018193.3); short protein forms S1018N, S958N, S925N.
Identifiers: ClinVar variation 572022 (VCV000572022.7), dbSNP rs773696866, ClinGen allele CA7723565.

ClinVar aggregate classification (germline): Uncertain significance. Review status: criteria provided, multiple submitters, no conflicts (2 of 4 stars). 2 submissions from 2 submitters: Uncertain significance (2). Last evaluated 2025-11-20.

Conditions:
Inborn genetic diseases. Identifiers: MedGen C0950123, MeSH D030342.
Fanconi anemia (FA). Also called: Fanconi's anemia. Identifiers: Orphanet 84, MedGen C0015625, MeSH D005199, MONDO:0019391.

Allele frequency attached by ClinVar (database versions not stated): gnomAD exomes 0.00005 and 0.00002; TOPMed 0.00001; ExAC 0.00002; gnomAD 0.00001.
gnomAD v4.1: 77 of 1,613,834 alleles (0.0048%); highest among the groups gnomAD compares: Non-Finnish European, 0.0063%; no homozygotes.

Submissions (2):

Ambry Genetics
Classification: Uncertain significance for Inborn genetic diseases. Last evaluated: 2025-11-20. Review status: criteria provided, single submitter. Criteria: Ambry Variant Classification Scheme 2023. Collection method: clinical testing. Allele origin: germline.

Labcorp Genetics (formerly Invitae), Labcorp
Classification: Uncertain significance for Fanconi anemia. Last evaluated: 2021-08-20. Review status: criteria provided, single submitter. Criteria: Invitae Variant Classification Sherloc (09022015). Collection method: clinical testing. Allele origin: germline.
Comment: This sequence change replaces serine with asparagine at codon 1018 of the FANCI protein (p.Ser1018Asn). The serine residue is moderately conserved and there is a small physicochemical difference between serine and asparagine. This variant is present in population databases (rs773696866, ExAC 0.003%). This variant has not been reported in the literature in individuals affected with FANCI-related conditions. Algorithms developed to predict the effect of missense changes on protein structure and function output the following: SIFT: "Tolerated"; PolyPhen-2: "Benign"; Align-GVGD: "Class C0". The asparagine amino acid residue is found in multiple mammalian species, which suggests that this missense change does not adversely affect protein function. In summary, the available evidence is currently insufficient to determine the role of this variant in disease. Therefore, it has been classified as a Variant of Uncertain Significance.